The following is an entry in ClinVar:

NM_013266.4(CTNNA3):c.1192G>A (p.Val398Ile)

Gene: CTNNA3 (catenin alpha 3; minus strand). Cytogenetic location: 10q21.3.
Variant type: single nucleotide variant.
Coding change: c.1192G>A on transcript NM_013266.4 (MANE Select); coding-DNA position 1192, G replaced by A.
Protein change: p.Val398Ile; replaces valine 398 with isoleucine.
Molecular consequence: missense variant.
Genome position (GRCh38, 1-based): chr10:66,766,353, C>T on the plus strand (G>A on the coding strand, the complement: CTNNA3 is on the minus strand). VCF-style: chr10-66766353-C-T. GRCh37 (hg19) VCF-style: chr10-68526111-C-T.
Other names: c.1192G>A (NM_013266.2); c.1192G>A, p.Val398Ile (NM_001127384.3); short protein forms V398I.
Identifiers: ClinVar variation 1144273 (VCV001144273.12), dbSNP rs145043626, ClinGen allele CA5520027.

ClinVar aggregate classification (germline): Conflicting classifications of pathogenicity. Review status: criteria provided, conflicting classifications (1 of 4 stars). 4 submissions from 4 submitters: Uncertain significance (1); Likely benign (3). Last evaluated 2025-12-20.

Conditions:
Arrhythmogenic right ventricular dysplasia 13. Also called: ARRHYTHMOGENIC RIGHT VENTRICULAR CARDIOMYOPATHY 13; Arrhythmogenic right ventricular dysplasia, familial, 13. Identifiers: MedGen C3810138, MONDO:0000908, OMIM 615616.

Allele frequency attached by ClinVar (database versions not stated): gnomAD exomes 0.00008; ExAC 0.00010; 1000 Genomes Project 30x 0.00016; 1000 Genomes Project 0.00020; gnomAD 0.00024 and 0.00028; ESP Exome Variant Server 0.00031; TOPMed 0.00040.
gnomAD v4.1: 76 of 1,613,618 alleles (0.0047%); highest among the groups gnomAD compares: African/African-American, 0.079%; no homozygotes.

Submissions (4):

Labcorp Genetics (formerly Invitae), Labcorp
Classification: Likely benign for Arrhythmogenic right ventricular dysplasia 13. Last evaluated: 2025-12-20. Review status: criteria provided, single submitter. Criteria: Invitae Variant Classification Sherloc (09022015). Collection method: clinical testing. Allele origin: germline.

Ambry Genetics
Classification: Uncertain significance. Last evaluated: 2023-12-15. Review status: criteria provided, single submitter. Criteria: Ambry Variant Classification Scheme 2023. Collection method: clinical testing. Allele origin: germline.

Blueprint Genetics
Classification: Likely benign. Last evaluated: 2023-04-20. Review status: criteria provided, single submitter. Criteria: ACMG Guidelines, 2015. Collection method: clinical testing. Allele origin: germline.

GeneDx
Classification: Likely benign. Last evaluated: 2020-12-24. Review status: criteria provided, single submitter. Criteria: GeneDx Variant Classification Process June 2021. Collection method: clinical testing. Allele origin: germline. Affected: yes.
Comment: Has not been previously published as pathogenic or benign to our knowledge; In silico analysis, which includes protein predictors and evolutionary conservation, supports that this variant does not alter protein structure/function